The following is an entry in ClinVar:

NM_004947.5(DOCK3):c.2769C>T (p.His923=)

Gene: DOCK3 (dedicator of cytokinesis 3; plus strand). Cytogenetic location: 3p21.2.
Variant type: single nucleotide variant.
Coding change: c.2769C>T on transcript NM_004947.5 (MANE Select); coding-DNA position 2769, C replaced by T.
Protein change: p.His923=; no amino-acid change (histidine 923 retained).
Molecular consequence: synonymous variant.
Genome position (GRCh38, 1-based): chr3:51,277,700, C>T. VCF-style: chr3-51277700-C-T. GRCh37 (hg19) VCF-style: chr3-51315131-C-T.
Identifiers: ClinVar variation 4681668 (VCV004681668.5).

ClinVar aggregate classification (germline): Likely benign (1 of 4 stars; one submission).

gnomAD v4.1: 90 of 1,611,070 alleles (0.0056%); highest among the groups gnomAD compares: South Asian, 0.028%; no homozygotes.

Submission:

CeGaT Center for Human Genetics Tuebingen
Classification: Likely benign. Last evaluated: 2025-11-01. Review status: criteria provided, single submitter. Criteria: CeGaT Center For Human Genetics Tuebingen Variant Classification Criteria Version 2. Collection method: clinical testing. Allele origin: germline. Affected: yes. Observed: 1 variant allele.
Comment: DOCK3: BP4, BP7